The following is an entry in ClinVar:

NM_006231.4(POLE):c.2083T>C (p.Phe695Leu)

Gene: POLE (DNA polymerase epsilon, catalytic subunit; minus strand). Cytogenetic location: 12q24.33.
Variant type: single nucleotide variant.
Coding change: c.2083T>C on transcript NM_006231.4 (MANE Select); coding-DNA position 2083, T replaced by C.
Protein change: p.Phe695Leu; replaces phenylalanine 695 with leucine.
Molecular consequence: missense variant.
Genome position (GRCh38, 1-based): chr12:132,668,446, A>G on the plus strand (T>C on the coding strand, the complement: POLE is on the minus strand). VCF-style: chr12-132668446-A-G. GRCh37 (hg19) VCF-style: chr12-133245032-A-G.
Other names: short protein forms F695L.
Identifiers: ClinVar variation 240419 (VCV000240419.25), dbSNP rs5744799, ClinGen allele CA6893691.
Genomic context (GRCh38, chr12:132,668,446, plus strand): 5'-GTTCCTCGCGGGACAGTTCATGAAAGGCCCGAGCTGGCCCCTCTGGGAACAAGGGGGGGA[A>G]CTTCTCTGACTCCAGCTGGTGCTGGATCCGATGGTATTCGCTGCGACTGGCTGGCACTGG-3'
Protein context (NP_006222.2, residues 685-705): RIQHQLESEK[Phe695Leu]PPLFPEGPAR

ClinVar aggregate classification (germline): Conflicting classifications of pathogenicity. Review status: criteria provided, conflicting classifications (1 of 4 stars). 7 submissions from 7 submitters: Uncertain significance (5); Likely benign (2). Last evaluated 2026-01-24.

Conditions:
Colorectal cancer, susceptibility to, 12 (CRCS12). Also called: COLORECTAL CANCER, SUSCEPTIBILITY TO, ON CHROMOSOME 12q24. Identifiers: Orphanet 220460, MedGen C3554460, MONDO:0014038, OMIM 615083.
Facial dysmorphism-immunodeficiency-livedo-short stature syndrome. Also called: Facial dysmorphism, immunodeficiency, livedo, and short stature; FILS syndrome. Identifiers: Orphanet 352712, MedGen C3554576, MONDO:0014058, OMIM 615139.
Intrauterine growth retardation, metaphyseal dysplasia, adrenal hypoplasia congenita, genital anomalies, and immunodeficiency. Also called: IMAGEI SYNDROME. Identifiers: MedGen C5193036, MONDO:0032684, OMIM 618336.
Hereditary cancer-predisposing syndrome. Also called: Tumor predisposition; Neoplastic Syndromes, Hereditary; Hereditary Cancer Syndrome; Hereditary neoplastic syndrome. Identifiers: Orphanet 140162, MedGen C0027672, MeSH D009386, MONDO:0015356.

Allele frequency attached by ClinVar (database versions not stated): TOPMed 0.00003.
gnomAD v4.1: 53 of 1,612,366 alleles (0.0033%); highest among the groups gnomAD compares: Middle Eastern, 0.016%; no homozygotes.

Submissions (7):

Labcorp Genetics (formerly Invitae), Labcorp
Classification: Uncertain significance. Last evaluated: 2026-01-24. Review status: criteria provided, single submitter. Criteria: Invitae Variant Classification Sherloc (09022015). Collection method: clinical testing. Allele origin: germline.
Comment: This sequence change replaces phenylalanine, which is neutral and non-polar, with leucine, which is neutral and non-polar, at codon 695 of the POLE protein (p.Phe695Leu). This variant is present in population databases (rs5744799, gnomAD 0.008%). This missense change has been observed in individual(s) with personal or family history of POLE-related conditions (PMID: 35534704). ClinVar contains an entry for this variant (Variation ID: 240419). Invitae Evidence Modeling of protein sequence and biophysical properties (such as structural, functional, and spatial information, amino acid conservation, physicochemical variation, residue mobility, and thermodynamic stability) indicates that this missense variant is not expected to disrupt POLE protein function with a negative predictive value of 80%. In summary, the available evidence is currently insufficient to determine the role of this variant in disease. Therefore, it has been classified as a Variant of Uncertain Significance.

Center for Genomic Medicine, Rigshospitalet, Copenhagen University Hospital
Classification: Uncertain significance. Last evaluated: 2025-03-04. Review status: criteria provided, single submitter. Criteria: ACMG Guidelines, 2015. Collection method: clinical testing. Allele origin: germline.

GeneDx
Classification: Uncertain significance. Last evaluated: 2025-01-28. Review status: criteria provided, single submitter. Criteria: GeneDx Variant Classification Process June 2021. Collection method: clinical testing. Allele origin: germline. Affected: yes.
Comment: In silico analysis supports that this missense variant has a deleterious effect on protein structure/function; Identified in an individual with a family history of colorectal and other cancers undergoing multigene hereditary cancer panel testing (PMID: 35534704); This variant is associated with the following publications: (PMID: 20951805, 29056344, 29458332, 35534704)

Ambry Genetics
Classification: Likely benign for Hereditary cancer-predisposing syndrome. Last evaluated: 2024-12-18. Review status: criteria provided, single submitter. Criteria: Ambry Variant Classification Scheme 2023. Collection method: clinical testing. Allele origin: germline.

Mendelics
Classification: Likely benign for Hereditary cancer-predisposing syndrome. Last evaluated: 2024-04-09. Review status: criteria provided, single submitter. Criteria: ACMG Guidelines, 2015. Collection method: clinical testing. Allele origin: unknown.

Fulgent Genetics
Classification: Uncertain significance for Colorectal cancer, susceptibility to, 12; Facial dysmorphism-immunodeficiency-livedo-short stature syndrome; Intrauterine growth retardation, metaphyseal dysplasia, adrenal hypoplasia congenita, genital anomalies, and immunodeficiency. Last evaluated: 2024-02-08. Review status: criteria provided, single submitter. Criteria: ACMG Guidelines, 2015. Collection method: clinical testing. Allele origin: germline.

Quest Diagnostics Nichols Institute San Juan Capistrano
Classification: Uncertain significance. Last evaluated: 2017-10-26. Review status: criteria provided, single submitter. Criteria: Quest Diagnostics criteria. Collection method: clinical testing. Allele origin: germline.

Literature cited by the submitters: PubMed 35534704 (cited by Labcorp Genetics (formerly Invitae), Labcorp).